The following is an entry in ClinVar:

ClinVar aggregate classification (germline): Conflicting classifications of pathogenicity. Review status: criteria provided, conflicting classifications (1 of 4 stars). 2 submissions from 2 submitters: Uncertain significance (1); Likely benign (1). Last evaluated 2023-03-23.

Conditions:
Hereditary cancer-predisposing syndrome. Also called: Neoplastic Syndromes, Hereditary; Tumor predisposition; Hereditary neoplastic syndrome; Hereditary Cancer Syndrome. Identifiers: Orphanet 140162, MedGen C0027672, MeSH D009386, MONDO:0015356.

Submissions (2):

University of Washington Department of Laboratory Medicine, University of Washington
Classification: Likely benign for Hereditary cancer-predisposing syndrome. Last evaluated: 2023-03-23. Review status: criteria provided, single submitter. Criteria: Dines et al. (Genet Med. 2020). Collection method: curation. Allele origin: germline.
Comment: Missense variant in a coldspot region where missense variants are very unlikely to be pathogenic (PMID:31911673).

BRCA2 exon 11 coldspot. Reclassification based on statistical prior probability.

Women's Health and Genetics/Laboratory Corporation of America, LabCorp
Classification: Uncertain significance. Last evaluated: 2022-09-23. Review status: criteria provided, single submitter. Criteria: LabCorp Variant Classification Summary - May 2015. Collection method: clinical testing. Allele origin: germline.

NM_000059.4(BRCA2):c.4646A>T (p.Lys1549Ile)

Gene: BRCA2 (BRCA2 DNA repair associated; plus strand). Cytogenetic location: 13q13.1.
Variant type: single nucleotide variant.
Coding change: c.4646A>T on transcript NM_000059.4 (MANE Select); coding-DNA position 4646, A replaced by T.
Protein change: p.Lys1549Ile; replaces lysine 1549 with isoleucine.
Molecular consequence: missense variant.
Genome position (GRCh38, 1-based): chr13:32,339,001, A>T. VCF-style: chr13-32339001-A-T. GRCh37 (hg19) VCF-style: chr13-32913138-A-T.
Other names: c.4646A>T, p.Lys1549Ile (NM_001406719.1, NM_001406720.1); short protein forms K1549I.
Identifiers: ClinVar variation 1722496 (VCV001722496.3), dbSNP rs2548528952, ClinGen allele CA387782170.
Genomic context (GRCh38, chr13:32,339,001, plus strand): 5'-GGAAAAAAGTTAAAATTGCAAAGGAATCTTTGGACAAAGTGAAAAACCTTTTTGATGAAA[A>T]AGAGCAAGGTACTAGTGAAATCACCAGTTTTAGCCATCAATGGGCAAAGACCCTAAAGTA-3'
Protein context (NP_000050.3, residues 1539-1559): LDKVKNLFDE[Lys1549Ile]EQGTSEITSF